The following is an entry in ClinVar:

NM_004104.5(FASN):c.4160G>A (p.Arg1387His)

Gene: FASN (fatty acid synthase; minus strand). Cytogenetic location: 17q25.3.
Variant type: single nucleotide variant.
Coding change: c.4160G>A on transcript NM_004104.5 (MANE Select); coding-DNA position 4160, G replaced by A.
Protein change: p.Arg1387His; replaces arginine 1387 with histidine.
Molecular consequence: missense variant.
Genome position (GRCh38, 1-based): chr17:82,085,365, C>T on the plus strand (G>A on the coding strand, the complement: FASN is on the minus strand). VCF-style: chr17-82085365-C-T. GRCh37 (hg19) VCF-style: chr17-80043241-C-T.
Other names: short protein forms R1387H.
Identifiers: ClinVar variation 2878363 (VCV002878363.3), dbSNP rs370839437, ClinGen allele CA8852167.

ClinVar aggregate classification (germline): Uncertain significance (1 of 4 stars; one submission).

Conditions:
Epileptic encephalopathy. Identifiers: MedGen C0543888, HP:0200134.

Allele frequency attached by ClinVar (database versions not stated): ExAC 0.00002; TOPMed 0.00002; ESP Exome Variant Server 0.00008.

Submission:

Labcorp Genetics (formerly Invitae), Labcorp
Classification: Uncertain significance for Epileptic encephalopathy. Last evaluated: 2023-08-30. Review status: criteria provided, single submitter. Criteria: Invitae Variant Classification Sherloc (09022015). Collection method: clinical testing. Allele origin: germline.
Comment: In summary, the available evidence is currently insufficient to determine the role of this variant in disease. Therefore, it has been classified as a Variant of Uncertain Significance. Algorithms developed to predict the effect of missense changes on protein structure and function output the following: SIFT: "Not Available"; PolyPhen-2: "Benign"; Align-GVGD: "Not Available". The histidine amino acid residue is found in multiple mammalian species, which suggests that this missense change does not adversely affect protein function. This variant has not been reported in the literature in individuals affected with FASN-related conditions. This variant is present in population databases (rs370839437, gnomAD 0.02%). This sequence change replaces arginine, which is basic and polar, with histidine, which is basic and polar, at codon 1387 of the FASN protein (p.Arg1387His).